The following is an entry in ClinVar:

ClinVar aggregate classification (germline): Uncertain significance (1 of 4 stars; one submission).

Allele frequency attached by ClinVar (database versions not stated): gnomAD 0.00001; TOPMed 0.00002.
gnomAD v4.1: 13 of 1,526,190 alleles (0.00085%); highest among the groups gnomAD compares: Non-Finnish European, 0.0011%; no homozygotes.

Submission:

Labcorp Genetics (formerly Invitae), Labcorp
Classification: Uncertain significance. Last evaluated: 2022-07-25. Review status: criteria provided, single submitter. Criteria: Invitae Variant Classification Sherloc (09022015). Collection method: clinical testing. Allele origin: germline.
Comment: This sequence change replaces glycine, which is neutral and non-polar, with alanine, which is neutral and non-polar, at codon 2227 of the APC2 protein (p.Gly2227Ala). This variant is present in population databases (no rsID available, gnomAD 0.005%). This variant has not been reported in the literature in individuals affected with APC2-related conditions. Algorithms developed to predict the effect of missense changes on protein structure and function are either unavailable or do not agree on the potential impact of this missense change (SIFT: "Tolerated"; PolyPhen-2: "Possibly Damaging"; Align-GVGD: "Class C0"). In summary, the available evidence is currently insufficient to determine the role of this variant in disease. Therefore, it has been classified as a Variant of Uncertain Significance.

NM_005883.3(APC2):c.6680G>C (p.Gly2227Ala)

Gene: APC2 (APC regulator of WNT signaling pathway 2; plus strand). Cytogenetic location: 19p13.3.
Variant type: single nucleotide variant.
Coding change: c.6680G>C on transcript NM_005883.3 (MANE Select); coding-DNA position 6680, G replaced by C.
Protein change: p.Gly2227Ala; replaces glycine 2227 with alanine.
Molecular consequence: missense variant.
Genome position (GRCh38, 1-based): chr19:1,469,981, G>C. VCF-style: chr19-1469981-G-C. GRCh37 (hg19) VCF-style: chr19-1469980-G-C.
Other names: c.6677G>C, p.Gly2226Ala (NM_001351273.1); short protein forms G2226A, G2227A.
Identifiers: ClinVar variation 1974609 (VCV001974609.3), dbSNP rs1369385943, ClinGen allele CA403044401.